The following is an entry in ClinVar:

ClinVar aggregate classification (germline): Conflicting classifications of pathogenicity. Review status: criteria provided, conflicting classifications (1 of 4 stars). 2 submissions from 2 submitters: Uncertain significance (1); Likely benign (1). Last evaluated 2025-11-22.

Conditions:
Adams-Oliver syndrome 5 (AOS5). Identifiers: Orphanet 974, MedGen C4014970, MONDO:0014459, OMIM 616028.
Familial thoracic aortic aneurysm and aortic dissection (TAAD). Also called: Thoracic aortic aneurysms and dissections. Identifiers: Orphanet 91387, MedGen C4707243, MONDO:0019625.

gnomAD v4.1: 4 of 1,612,844 alleles (0.00025%); highest among the groups gnomAD compares: East Asian, 0.0022%; no homozygotes.

Submissions (2):

Ambry Genetics
Classification: Uncertain significance for Familial thoracic aortic aneurysm and aortic dissection. Last evaluated: 2025-11-22. Review status: criteria provided, single submitter. Criteria: Ambry Variant Classification Scheme 2023. Collection method: clinical testing. Allele origin: germline.
Comment: The p.G1477S variant (also known as c.4429G>A), located in coding exon 25 of the NOTCH1 gene, results from a G to A substitution at nucleotide position 4429. The glycine at codon 1477 is replaced by serine, an amino acid with similar properties. This amino acid position is conserved. In addition, the in silico prediction for this alteration is inconclusive. Based on the available evidence, the clinical significance of this variant remains unclear.

Labcorp Genetics (formerly Invitae), Labcorp
Classification: Likely benign for Adams-Oliver syndrome 5. Last evaluated: 2025-02-16. Review status: criteria provided, single submitter. Criteria: Invitae Variant Classification Sherloc (09022015). Collection method: clinical testing. Allele origin: germline.

NM_017617.5(NOTCH1):c.4429G>A (p.Gly1477Ser)

Gene: NOTCH1 (notch receptor 1; minus strand). Cytogenetic location: 9q34.3.
Variant type: single nucleotide variant.
Coding change: c.4429G>A on transcript NM_017617.5 (MANE Select); coding-DNA position 4429, G replaced by A.
Protein change: p.Gly1477Ser; replaces glycine 1477 with serine.
Molecular consequence: missense variant.
Genome position (GRCh38, 1-based): chr9:136,505,467, C>T on the plus strand (G>A on the coding strand, the complement: NOTCH1 is on the minus strand). VCF-style: chr9-136505467-C-T. GRCh37 (hg19) VCF-style: chr9-139399919-C-T.
Other names: short protein forms G1477S.
Identifiers: ClinVar variation 4635482 (VCV004635482.2).